The following is an entry in ClinVar:

NM_006440.5(TXNRD2):c.41_42delinsTT (p.Arg14Leu)

Gene: TXNRD2 (thioredoxin reductase 2; minus strand). Cytogenetic location: 22q11.21.
Variant type: Indel.
Coding change: c.41_42delinsTT on transcript NM_006440.5 (MANE Select); coding-DNA positions 41 to 42, GC replaced by TT.
Protein change: p.Arg14Leu; replaces arginine 14 with leucine.
Molecular consequence: missense variant. On other transcripts: non-coding transcript variant (1).
Genome position (GRCh38, 1-based): chr22:19,941,762-19,941,763, GC replaced by AA on the plus strand (GC replaced by TT on the coding strand, the reverse complement: TXNRD2 is on the minus strand). VCF-style: chr22-19941762-GC-AA. GRCh37 (hg19) VCF-style: chr22-19929285-GC-AA.
Other names: c.41_42delinsTT, p.Arg14Leu (NM_001282512.3, NM_001352300.2); c.41_42delinsTT (NM_006440.4, NM_006440.3); short protein forms R14L.
Identifiers: ClinVar variation 1060940 (VCV001060940.15), dbSNP rs2146120283, ClinGen allele CA2499226018.

ClinVar aggregate classification (germline): Conflicting classifications of pathogenicity. Review status: criteria provided, conflicting classifications (1 of 4 stars). 5 submissions from 5 submitters: Uncertain significance (4); Likely benign (1). Last evaluated 2026-06-18.

Conditions:
TXNRD2-related disorder. Also called: TXNRD2-related condition.
Glucocorticoid deficiency 5. Identifiers: MedGen C4540522, MONDO:0040502, OMIM 617825.
Cardiovascular phenotype. Identifiers: MedGen CN230736.
Primary dilated cardiomyopathy (DCM). Also called: Dilated Cardiomyopathy. Identifiers: Orphanet 217604, MedGen C0007193, MeSH D002311, MONDO:0005021, HP:0001644. Inheritance: Various modes of inheritance.

Submissions (5):

PreventionGenetics, part of Exact Sciences
Classification: Uncertain significance for TXNRD2-related condition. Last evaluated: 2026-06-18. Review status: criteria provided, single submitter. Criteria: ACMG Guidelines, 2015. Collection method: clinical testing. Allele origin: germline.
Comment: The TXNRD2 c.41_42delinsTT variant is predicted to result in an in-frame deletion and insertion. To our knowledge, this variant has not been reported in the literature or in a large population database (gnomAD), indicating this variant is rare. At this time, the clinical significance of this variant is uncertain due to the absence of conclusive functional and genetic evidence.

Ambry Genetics
Classification: Likely benign for Cardiovascular phenotype. Last evaluated: 2025-06-23. Review status: criteria provided, single submitter. Criteria: Ambry Variant Classification Scheme 2023. Collection method: clinical testing. Allele origin: germline.

Labcorp Genetics (formerly Invitae), Labcorp
Classification: Uncertain significance for Primary dilated cardiomyopathy. Last evaluated: 2025-05-27. Review status: criteria provided, single submitter. Criteria: Invitae Variant Classification Sherloc (09022015). Collection method: clinical testing. Allele origin: germline.
Comment: This sequence change replaces arginine, which is basic and polar, with leucine, which is neutral and non-polar, at codon 14 of the TXNRD2 protein (p.Arg14Leu). This variant is present in population databases (no rsID available, gnomAD 0.005%). This variant has not been reported in the literature in individuals affected with TXNRD2-related conditions. ClinVar contains an entry for this variant (Variation ID: 1060940). An algorithm developed to predict the effect of missense changes on protein structure and function (PolyPhen-2) suggests that this variant is likely to be tolerated. In summary, the available evidence is currently insufficient to determine the role of this variant in disease. Therefore, it has been classified as a Variant of Uncertain Significance.

GeneDx
Classification: Uncertain significance. Last evaluated: 2024-05-07. Review status: criteria provided, single submitter. Criteria: GeneDx Variant Classification Process June 2021. Collection method: clinical testing. Allele origin: germline. Affected: yes.
Comment: Has not been previously published as pathogenic or benign to our knowledge; In silico analysis indicates that this variant does not alter protein structure/function

Fulgent Genetics
Classification: Uncertain significance for Glucocorticoid deficiency 5. Last evaluated: 2021-11-12. Review status: criteria provided, single submitter. Criteria: ACMG Guidelines, 2015. Collection method: clinical testing. Allele origin: unknown.